The following is an entry in ClinVar:

ClinVar aggregate classification (germline): Conflicting classifications of pathogenicity. Review status: criteria provided, conflicting classifications (1 of 4 stars). 3 submissions from 3 submitters: Uncertain significance (1); Likely benign (1). 1 of the submissions does not count toward it. Last evaluated 2026-06-30.

Conditions:
SCAPER-related disorder. Also called: SCAPER-related condition.
Retinal dystrophy. Also called: Inherited retinal dystrophy. Identifiers: Orphanet 71862, MedGen C0854723, MeSH D058499, MONDO:0019118, HP:0000556.

gnomAD v4.1: 1,190 of 1,612,234 alleles (0.074%); highest among the groups gnomAD compares: Non-Finnish European, 0.089%; no homozygotes.

Submissions (3):

PreventionGenetics, part of Exact Sciences
Classification: Uncertain significance for SCAPER-related condition. Last evaluated: 2026-06-30. Review status: criteria provided, single submitter. Criteria: ACMG Guidelines, 2015. Collection method: clinical testing. Allele origin: germline.
Comment: The SCAPER c.1082G>A variant is predicted to result in the amino acid substitution p.Arg361Gln. To our knowledge, this variant has not been reported in the literature. This variant is reported in 0.084% of alleles in individuals of European (Non-Finnish) descent in gnomAD, which may be too common to be an unreported cause of disease. Although we suspect that this variant may be benign, at this time, the clinical significance of this variant is uncertain due to the absence of conclusive functional and genetic evidence.

Blueprint Genetics
Classification: Likely benign. Last evaluated: 2024-11-17. Review status: criteria provided, single submitter. Criteria: ACMG Guidelines, 2015. Collection method: clinical testing. Allele origin: germline.

Institute of Human Genetics, Univ. Regensburg, Univ. Regensburg
Classification: Uncertain significance for Retinal dystrophy. Last evaluated: 2022-01-01. Review status: no assertion criteria provided. Criteria: ACMG Guidelines, 2015. Collection method: clinical testing. Allele origin: germline. Affected: yes. Not counted in ClinVar's aggregate classification.

NM_020843.4(SCAPER):c.1082G>A (p.Arg361Gln)

Gene: SCAPER (S-phase cyclin A associated protein in the ER; minus strand). Cytogenetic location: 15q24.3.
Variant type: single nucleotide variant.
Coding change: c.1082G>A on transcript NM_020843.4 (MANE Select); coding-DNA position 1082, G replaced by A.
Protein change: p.Arg361Gln; replaces arginine 361 with glutamine.
Molecular consequence: missense variant. On other transcripts: non-coding transcript variant (1).
Genome position (GRCh38, 1-based): chr15:76,771,908, C>T on the plus strand (G>A on the coding strand, the complement: SCAPER is on the minus strand). VCF-style: chr15-76771908-C-T. GRCh37 (hg19) VCF-style: chr15-77064249-C-T.
Other names: c.344G>A, p.Arg115Gln (NM_001145923.2); c.1082G>A, p.Arg361Gln (NM_001353009.2); c.680G>A, p.Arg227Gln (NM_001353010.2, NM_001353011.2, NM_001353012.2); c.1082G>A (NM_001353009.1); short protein forms R115Q, R227Q, R361Q.
Identifiers: ClinVar variation 3249375 (VCV003249375.4).